The following is an entry in ClinVar:

ClinVar aggregate classification (germline): Likely benign. Review status: criteria provided, multiple submitters, no conflicts (2 of 4 stars). 2 submissions from 2 submitters: Likely benign (2). Last evaluated 2025-03-07.

Conditions:
Cardiovascular phenotype. Identifiers: MedGen CN230736.

Submissions (2):

Mayo Clinic Laboratories, Mayo Clinic
Classification: Likely benign. Last evaluated: 2025-03-07. Review status: criteria provided, single submitter. Criteria: ACMG Guidelines, 2015. Collection method: clinical testing. Allele origin: germline. Observed: 1 variant allele.
Comment: BP4, BP7

Ambry Genetics
Classification: Likely benign for Cardiovascular phenotype. Last evaluated: 2024-05-07. Review status: criteria provided, single submitter. Criteria: Ambry Variant Classification Scheme 2023. Collection method: clinical testing. Allele origin: germline.

NM_005502.4(ABCA1):c.1500C>T (p.Arg500=)

Gene: ABCA1 (ATP binding cassette subfamily A member 1; minus strand). Cytogenetic location: 9q31.1.
Variant type: single nucleotide variant.
Coding change: c.1500C>T on transcript NM_005502.4 (MANE Select); coding-DNA position 1500, C replaced by T.
Protein change: p.Arg500=; no amino-acid change (arginine 500 retained).
Molecular consequence: synonymous variant.
Genome position (GRCh38, 1-based): chr9:104,832,583, G>A on the plus strand (C>T on the coding strand, the complement: ABCA1 is on the minus strand). VCF-style: chr9-104832583-G-A. GRCh37 (hg19) VCF-style: chr9-107594864-G-A.
Other names: p.Arg500=.
Identifiers: ClinVar variation 3268628 (VCV003268628.2).